The following is an entry in ClinVar:

ClinVar aggregate classification (germline): Uncertain significance (1 of 4 stars; one submission).

Allele frequency attached by ClinVar (database versions not stated): gnomAD exomes 0.00001.
gnomAD v4.1: 7 of 1,609,490 alleles (0.00043%); highest among the groups gnomAD compares: Non-Finnish European, 0.00059%; no homozygotes.

Submission:

GeneDx
Classification: Uncertain significance. Last evaluated: 2024-09-23. Review status: criteria provided, single submitter. Criteria: GeneDx Variant Classification Process June 2021. Collection method: clinical testing. Allele origin: germline. Affected: yes.
Comment: Not observed at significant frequency in large population cohorts (gnomAD); In silico analysis indicates that this missense variant does not alter protein structure/function; Has not been previously published as pathogenic or benign to our knowledge

NM_001374353.1(GLI2):c.3092G>T (p.Gly1031Val)

Gene: GLI2 (GLI family zinc finger 2; plus strand). Cytogenetic location: 2q14.2.
Variant type: single nucleotide variant.
Coding change: c.3092G>T on transcript NM_001374353.1 (MANE Select); coding-DNA position 3092, G replaced by T.
Protein change: p.Gly1031Val; replaces glycine 1031 with valine.
Molecular consequence: missense variant.
Genome position (GRCh38, 1-based): chr2:120,989,057, G>T. VCF-style: chr2-120989057-G-T. GRCh37 (hg19) VCF-style: chr2-121746633-G-T.
Other names: c.3143G>T, p.Gly1048Val (NM_001371271.1, NM_005270.5); c.2717G>T, p.Gly906Val (NM_001374354.1); short protein forms G1048V, G1031V, G906V.
Identifiers: ClinVar variation 546372 (VCV000546372.4), dbSNP rs1553479051, ClinGen allele CA348171377.